The following is an entry in ClinVar:

NM_004006.3(DMD):c.2508_2509dup (p.Asn837fs)

Gene: DMD (dystrophin; minus strand). Cytogenetic location: Xp21.1.
Variant type: Microsatellite.
Coding change: c.2508_2509dup on transcript NM_004006.3 (MANE Select); coding-DNA positions 2508 to 2509, 2 bases duplicated (TA; older notation c.2508_2509dupTA).
Protein change: p.Asn837fs; shifts the reading frame from asparagine 837.
Molecular consequence: frameshift variant.
Genome position (GRCh38, 1-based): chrX:32,491,390-32,491,391, TA duplicated on the plus strand (TA on the coding strand, the reverse complement: DMD is on the minus strand); duplicating any 2 consecutive bases within chrX:32,491,390-32,491,393 gives the same sequence; the c. name uses the placement nearest the transcript's 3' end. VCF-style (leftmost placement, unchanged base first): chrX-32491389-T-TTA. GRCh37 (hg19) VCF-style: chrX-32509506-T-TTA.
Other names: c.2508_2509dup (NM_004006.2); c.2484_2485dup, p.Asn829fs (NM_000109.4); c.2496_2497dup, p.Asn833fs (NM_004009.3); c.2139_2140dup, p.Asn714fs (NM_004010.3); short protein forms N714fs, N829fs, N833fs, N837fs.
Identifiers: ClinVar variation 1070660 (VCV001070660.12), dbSNP rs2148631503, ClinGen allele CA2580616945.

ClinVar aggregate classification (germline): Pathogenic. Review status: criteria provided, multiple submitters, no conflicts (2 of 4 stars). 2 submissions from 2 submitters: Pathogenic (2). Last evaluated 2023-07-19.

Conditions:
Duchenne muscular dystrophy (DMD). Also called: MUSCULAR DYSTROPHY, PSEUDOHYPERTROPHIC PROGRESSIVE, DUCHENNE TYPE; Duchenne Muscular Dystrophy (DMD). Identifiers: Orphanet 98896, MedGen C0013264, MONDO:0010679, OMIM 310200.

Submissions (2):

Revvity Omics, Revvity
Classification: Pathogenic. Last evaluated: 2023-07-19. Review status: criteria provided, single submitter. Criteria: ACMG Guidelines, 2015. Collection method: clinical testing. Allele origin: germline.

Labcorp Genetics (formerly Invitae), Labcorp
Classification: Pathogenic for Duchenne muscular dystrophy. Last evaluated: 2021-11-17. Review status: criteria provided, single submitter. Criteria: Invitae Variant Classification Sherloc (09022015). Collection method: clinical testing. Allele origin: germline.
Comment: This sequence change creates a premature translational stop signal (p.Asn837Ilefs*10) in the DMD gene. It is expected to result in an absent or disrupted protein product. Loss-of-function variants in DMD are known to be pathogenic (PMID: 16770791, 25007885). For these reasons, this variant has been classified as Pathogenic. This variant has not been reported in the literature in individuals affected with DMD-related conditions. This variant is not present in population databases (gnomAD no frequency).

Literature cited by the submitters: PubMed 16770791 (cited by Labcorp Genetics (formerly Invitae), Labcorp); PubMed 25007885 (cited by Labcorp Genetics (formerly Invitae), Labcorp).